The following is an entry in ClinVar:

NM_177438.3(DICER1):c.4838A>G (p.Gln1613Arg)

Gene: DICER1 (dicer 1, ribonuclease III; minus strand). Cytogenetic location: 14q32.13.
Variant type: single nucleotide variant.
Coding change: c.4838A>G on transcript NM_177438.3 (MANE Select); coding-DNA position 4838, A replaced by G.
Protein change: p.Gln1613Arg; replaces glutamine 1613 with arginine.
Molecular consequence: missense variant.
Genome position (GRCh38, 1-based): chr14:95,096,082, T>C on the plus strand (A>G on the coding strand, the complement: DICER1 is on the minus strand). VCF-style: chr14-95096082-T-C. GRCh37 (hg19) VCF-style: chr14-95562419-T-C.
Other names: c.4838A>G, p.Gln1613Arg (NM_001195573.1, NM_001271282.3, NM_001291628.2 and 1 more transcripts); short protein forms Q1613R.
Identifiers: ClinVar variation 575629 (VCV000575629.12), dbSNP rs775024028, ClinGen allele CA7330787.

ClinVar aggregate classification (germline): Uncertain significance. Review status: criteria provided, multiple submitters, no conflicts (2 of 4 stars). 2 submissions from 2 submitters: Uncertain significance (2). Last evaluated 2022-01-27.

Conditions:
DICER1-related tumor predisposition. Also called: DICER1 syndrome; DICER1-related pleuropulmonary blastoma cancer predisposition syndrome. Identifiers: Orphanet 284343, MedGen C3839822, MONDO:0100216.
Hereditary cancer-predisposing syndrome. Also called: Hereditary neoplastic syndrome; Tumor predisposition; Hereditary Cancer Syndrome; Neoplastic Syndromes, Hereditary. Identifiers: Orphanet 140162, MedGen C0027672, MeSH D009386, MONDO:0015356.

Allele frequency attached by ClinVar (database versions not stated): ExAC 0.00001.
gnomAD v4.1: 1 of 1,614,236 alleles (0.000062%); highest among the groups gnomAD compares: South Asian, 0.0011%; no homozygotes.

Submissions (2):

Ambry Genetics
Classification: Uncertain significance for Hereditary cancer-predisposing syndrome. Last evaluated: 2022-01-27. Review status: criteria provided, single submitter. Criteria: Ambry Variant Classification Scheme 2023. Collection method: clinical testing. Allele origin: germline.
Comment: The p.Q1613R variant (also known as c.4838A>G), located in coding exon 22 of the DICER1 gene, results from an A to G substitution at nucleotide position 4838. The glutamine at codon 1613 is replaced by arginine, an amino acid with highly similar properties. This amino acid position is conserved. In addition, this alteration is predicted to be tolerated by in silico analysis. Since supporting evidence is limited at this time, the clinical significance of this alteration remains unclear.

Labcorp Genetics (formerly Invitae), Labcorp
Classification: Uncertain significance for DICER1-related tumor predisposition. Last evaluated: 2018-03-12. Review status: criteria provided, single submitter. Criteria: Invitae Variant Classification Sherloc (09022015). Collection method: clinical testing. Allele origin: germline.
Comment: In summary, the available evidence is currently insufficient to determine the role of this variant in disease. Therefore, it has been classified as a Variant of Uncertain Significance. Algorithms developed to predict the effect of missense changes on protein structure and function output the following: SIFT: "Tolerated"; PolyPhen-2: "Benign"; Align-GVGD: "Class C0". The arginine amino acid residue is found in multiple mammalian species, suggesting that this missense change does not adversely affect protein function. These predictions have not been confirmed by published functional studies and their clinical significance is uncertain. This sequence change replaces glutamine with arginine at codon 1613 of the DICER1 protein (p.Gln1613Arg). The glutamine residue is weakly conserved and there is a small physicochemical difference between glutamine and arginine. This variant is present in population databases (rs775024028, ExAC 0.006%). This variant has not been reported in the literature in individuals with DICER1-related disease.